The following is an entry in ClinVar:

ClinVar aggregate classification (germline): Uncertain significance (1 of 4 stars; one submission).

Submission:

Labcorp Genetics (formerly Invitae), Labcorp
Classification: Uncertain significance. Last evaluated: 2024-01-26. Review status: criteria provided, single submitter. Criteria: Invitae Variant Classification Sherloc (09022015). Collection method: clinical testing. Allele origin: germline.
Comment: This sequence change replaces methionine, which is neutral and non-polar, with threonine, which is neutral and polar, at codon 216 of the NFKB1 protein (p.Met216Thr). This variant is not present in population databases (gnomAD no frequency). This variant has not been reported in the literature in individuals affected with NFKB1-related conditions. Advanced modeling of protein sequence and biophysical properties (such as structural, functional, and spatial information, amino acid conservation, physicochemical variation, residue mobility, and thermodynamic stability) performed at Invitae indicates that this missense variant is expected to disrupt NFKB1 protein function with a positive predictive value of 80%. In summary, the available evidence is currently insufficient to determine the role of this variant in disease. Therefore, it has been classified as a Variant of Uncertain Significance.

NM_003998.4(NFKB1):c.647T>C (p.Met216Thr)

Gene: NFKB1 (nuclear factor kappa B subunit 1; plus strand). Cytogenetic location: 4q24.
Variant type: single nucleotide variant.
Coding change: c.647T>C on transcript NM_003998.4 (MANE Select); coding-DNA position 647, T replaced by C.
Protein change: p.Met216Thr; replaces methionine 216 with threonine.
Molecular consequence: missense variant.
Genome position (GRCh38, 1-based): chr4:102,578,956, T>C. VCF-style: chr4-102578956-T-C. GRCh37 (hg19) VCF-style: chr4-103500113-T-C.
Other names: c.644T>C, p.Met215Thr (NM_001165412.2, NM_001319226.2, NM_001382627.1); c.647T>C, p.Met216Thr (NM_001382625.1, NM_001382626.1); c.605T>C, p.Met202Thr (NM_001382628.1); short protein forms M216T, M215T, M202T.
Identifiers: ClinVar variation 2711600 (VCV002711600.3), dbSNP rs2476415470, ClinGen allele CA357959630.